The following is an entry in ClinVar:

NM_001358530.2(MOCS1):c.1751G>A (p.Arg584Gln)

Gene: MOCS1 (molybdenum cofactor synthesis 1; minus strand). Cytogenetic location: 6p21.2.
Variant type: single nucleotide variant.
Coding change: c.1751G>A on transcript NM_001358530.2 (MANE Select); coding-DNA position 1751, G replaced by A.
Protein change: p.Arg584Gln; replaces arginine 584 with glutamine.
Molecular consequence: missense variant. On other transcripts: 3 prime UTR variant (4), non-coding transcript variant (1).
Genome position (GRCh38, 1-based): chr6:39,906,517, C>T on the plus strand (G>A on the coding strand, the complement: MOCS1 is on the minus strand). VCF-style: chr6-39906517-C-T. GRCh37 (hg19) VCF-style: chr6-39874293-C-T.
Other names: c.*608G>A (NM_001075098.4, NM_001358533.2, NM_001358534.2 and 1 more transcripts); c.1703G>A, p.Arg568Gln (NM_001358529.2); c.1490G>A, p.Arg497Gln (NM_001358531.2); short protein forms R568Q, R497Q, R584Q.
Identifiers: ClinVar variation 1386696 (VCV001386696.5), dbSNP rs764926640, ClinGen allele CA3795900.

ClinVar aggregate classification (germline): Uncertain significance. Review status: criteria provided, multiple submitters, no conflicts (2 of 4 stars). 3 submissions from 3 submitters: Uncertain significance (3). Last evaluated 2023-05-20.

Conditions:
Sulfite oxidase deficiency due to molybdenum cofactor deficiency type A. Also called: Molybdenum cofactor deficiency, complementation group A; Molybdenum Cofactor Deficiency A. Identifiers: Orphanet 308386, Orphanet 833, MedGen C1854988, MONDO:0009643, OMIM 252150.
Sulfite oxidase deficiency due to molybdenum cofactor deficiency type B1 (MOCODB1). Also called: Molybdenum cofactor deficiency, complementation group B; MOLYBDENUM COFACTOR DEFICIENCY, TYPE B1; Molybdenum cofactor deficiency B; Sulfite oxidase deficiency due to molybdenum cofactor deficiency type B. Identifiers: Orphanet 308393, Orphanet 833, MedGen C6065887, MONDO:0009644, OMIM 252160.

Allele frequency attached by ClinVar (database versions not stated): gnomAD exomes 0.00007 and 0.00016; TOPMed 0.00009; ExAC 0.00011; gnomAD 0.00012.
gnomAD v4.1: 119 of 1,613,818 alleles (0.0074%); highest among the groups gnomAD compares: Admixed American, 0.012%; no homozygotes.

Submissions (3):

Neuberg Centre For Genomic Medicine, NCGM
Classification: Uncertain significance for Sulfite oxidase deficiency due to molybdenum cofactor deficiency type B1. Last evaluated: 2023-05-20. Review status: criteria provided, single submitter. Criteria: ACMG Guidelines, 2015. Collection method: clinical testing. Allele origin: germline. Inheritance: Autosomal recessive inheritance. Affected: yes.
Comment: The observed missense c.1751G>A(p.Arg584Gln) variant MOCS1 gene has not been reported previously as a pathogenic variant nor as a benign variant, to our knowledge. This variant is present with an allele frequency of 0.02% in gnomAD Exomes database. This variant has been submitted to the ClinVar database as Uncertain significance. Computational evidence (Polyphen - Possibly damaging, SIFT -Tolerated and MutationTaster -disease causing) predicts conflicting evidence on protein structure and function for this variant.The amino acid change p.Arg584Gln in MOCS1 is predicted as conserved by GERP++ and PhyloP across 100 vertebrates. The amino acid Arg at position 584 is changed to a Gln changing protein sequence and it might alter its composition and physico-chemical properties. For these reasons, this variant has been classified as Uncertain Significance (VUS).

Labcorp Genetics (formerly Invitae), Labcorp
Classification: Uncertain significance for Sulfite oxidase deficiency due to molybdenum cofactor deficiency type A. Last evaluated: 2022-05-22. Review status: criteria provided, single submitter. Criteria: Invitae Variant Classification Sherloc (09022015). Collection method: clinical testing. Allele origin: germline.
Comment: This sequence change replaces arginine, which is basic and polar, with glutamine, which is neutral and polar, at codon 584 of the MOCS1 protein (p.Arg584Gln). This variant is present in population databases (rs764926640, gnomAD 0.2%). This variant has not been reported in the literature in individuals affected with MOCS1-related conditions. Algorithms developed to predict the effect of missense changes on protein structure and function output the following: SIFT: "Not Available"; PolyPhen-2: "Benign"; Align-GVGD: "Not Available". The glutamine amino acid residue is found in multiple mammalian species, which suggests that this missense change does not adversely affect protein function. In summary, the available evidence is currently insufficient to determine the role of this variant in disease. Therefore, it has been classified as a Variant of Uncertain Significance.

Department of Pathology and Laboratory Medicine, Sinai Health System
Classification: Uncertain significance for sulfite oxidase deficiency due to molybdenum cofactor deficiency type A. Last evaluated: 2021-02-26. Review status: criteria provided, single submitter. Criteria: ACMG Guidelines, 2015. Collection method: research. Allele origin: germline.